The following is an entry in ClinVar:

NM_003848.4(SUCLG2):c.1150G>A (p.Glu384Lys)

Gene: SUCLG2 (succinate-CoA ligase GDP-forming subunit beta; minus strand). Cytogenetic location: 3p14.1.
Variant type: single nucleotide variant.
Coding change: c.1150G>A on transcript NM_003848.4 (MANE Select); coding-DNA position 1150, G replaced by A.
Protein change: p.Glu384Lys; replaces glutamic acid 384 with lysine.
Molecular consequence: missense variant.
Genome position (GRCh38, 1-based): chr3:67,400,764, C>T on the plus strand (G>A on the coding strand, the complement: SUCLG2 is on the minus strand). VCF-style: chr3-67400764-C-T. GRCh37 (hg19) VCF-style: chr3-67451188-C-T.
Other names: c.1150G>A, p.Glu384Lys (NM_001177599.2); short protein forms E384K.
Identifiers: ClinVar variation 3323519 (VCV003323519.3).

ClinVar aggregate classification (germline): Uncertain significance. Review status: criteria provided, multiple submitters, no conflicts (2 of 4 stars). 2 submissions from 2 submitters: Uncertain significance (2). Last evaluated 2025-10-09.

gnomAD v4.1: 45 of 1,611,776 alleles (0.0028%); highest among the groups gnomAD compares: African/African-American, 0.052%; no homozygotes.

Submissions (2):

Labcorp Genetics (formerly Invitae), Labcorp
Classification: Uncertain significance. Last evaluated: 2025-10-09. Review status: criteria provided, single submitter. Criteria: Invitae Variant Classification Sherloc (09022015). Collection method: clinical testing. Allele origin: germline.
Comment: This sequence change replaces glutamic acid, which is acidic and polar, with lysine, which is basic and polar, at codon 384 of the SUCLG2 protein (p.Glu384Lys). This variant is present in population databases (rs199589191, gnomAD 0.05%). This variant has not been reported in the literature in individuals affected with SUCLG2-related conditions. ClinVar contains an entry for this variant (Variation ID: 3323519). An algorithm developed to predict the effect of missense changes on protein structure and function (PolyPhen-2) suggests that this variant is likely to be tolerated. In summary, the available evidence is currently insufficient to determine the role of this variant in disease. Therefore, it has been classified as a Variant of Uncertain Significance.

Ambry Genetics
Classification: Uncertain significance. Last evaluated: 2024-04-17. Review status: criteria provided, single submitter. Criteria: Ambry Variant Classification Scheme 2023. Collection method: clinical testing. Allele origin: germline.